The following is an entry in ClinVar:

ClinVar aggregate classification (germline): Pathogenic (1 of 4 stars; one submission).

Submission:

GeneDx
Classification: Pathogenic. Last evaluated: 2018-09-10. Review status: criteria provided, single submitter. Criteria: GeneDx Variant Classification (06012015). Collection method: clinical testing. Allele origin: germline. Affected: yes.
Comment: The c.1048_1075del28insAAAAGAGTG variant has not been published as a pathogenic variant, nor has it been reported as a benign variant to our knowledge. The variant is not observed in large population cohorts (Lek et al., 2016). It causes a frameshift starting with codon Valine 350, changes this amino acid to a Lysine residue and creates a premature Stop codon at position 47 of the new reading frame, denoted p.Val350LysfsX47. This variant is predicted to cause loss of normal protein function either through protein truncation or nonsense-mediated mRNA decay. We consider this variant to be pathogenic.

NM_000448.3(RAG1):c.1048_1075delinsAAAAGAGTG (p.Val350fs)

Gene: RAG1 (recombination activating 1; plus strand). Cytogenetic location: 11p12.
Variant type: Indel.
Coding change: c.1048_1075delinsAAAAGAGTG on transcript NM_000448.3 (MANE Select); coding-DNA positions 1048 to 1075, GTCTTGAATTCCCTGATGGTGAAATGTC replaced by AAAAGAGTG.
Protein change: p.Val350fs; shifts the reading frame from valine 350.
Molecular consequence: frameshift variant.
Genome position (GRCh38, 1-based): chr11:36,574,352-36,574,379, GTCTTGAATTCCCTGATGGTGAAATGTC replaced by AAAAGAGTG. GRCh37 (hg19): chr11:36,595,902-36,595,929.
Other names: c.1048_1075delinsAAAAGAGTG, p.Val350fs (NM_001377277.1, NM_001377278.1, NM_001377279.1 and 1 more transcripts); short protein forms V350fs.
Identifiers: ClinVar variation 817816 (VCV000817816.1), dbSNP rs1590702729, ClinGen allele CA915948145.